The following is an entry in ClinVar:

ClinVar aggregate classification (germline): Likely pathogenic (1 of 4 stars; one submission).

Conditions:
DICER1-related tumor predisposition. Also called: DICER1 syndrome; DICER1-related pleuropulmonary blastoma cancer predisposition syndrome. Identifiers: Orphanet 284343, MedGen C3839822, MONDO:0100216.

Submission:

Labcorp Genetics (formerly Invitae), Labcorp
Classification: Likely pathogenic for DICER1-related tumor predisposition. Last evaluated: 2023-11-21. Review status: criteria provided, single submitter. Criteria: Invitae Variant Classification Sherloc (09022015). Collection method: clinical testing. Allele origin: germline.
Comment: This sequence change affects a donor splice site in intron 21 of the DICER1 gene. It is expected to disrupt RNA splicing. Variants that disrupt the donor or acceptor splice site typically lead to a loss of protein function (PMID: 16199547), and loss-of-function variants in DICER1 are known to be pathogenic (PMID: 19556464, 21266384). This variant is not present in population databases (gnomAD no frequency). Disruption of this splice site has been observed in individual(s) with DICER1 syndrome-associated tumors (PMID: 25022261, 33630087). ClinVar contains an entry for this variant (Variation ID: 1509874). Algorithms developed to predict the effect of sequence changes on RNA splicing suggest that this variant may disrupt the consensus splice site. In summary, the currently available evidence indicates that the variant is pathogenic, but additional data are needed to prove that conclusively. Therefore, this variant has been classified as Likely Pathogenic.

Literature cited by the submitters: PubMed 16199547; PubMed 19556464; PubMed 21266384; PubMed 25022261; PubMed 33630087.

NM_177438.3(DICER1):c.4050+1G>C

Gene: DICER1 (dicer 1, ribonuclease III; minus strand). Cytogenetic location: 14q32.13.
Variant type: single nucleotide variant.
Coding change: c.4050+1G>C on transcript NM_177438.3 (MANE Select); the canonical splice donor site of the intron after coding-DNA position 4050, G replaced by C.
Molecular consequence: splice donor variant.
Genome position (GRCh38, 1-based): chr14:95,103,345, C>G on the plus strand (G>C on the coding strand, the complement: DICER1 is on the minus strand). VCF-style: chr14-95103345-C-G. GRCh37 (hg19) VCF-style: chr14-95569682-C-G.
Other names: c.4050+1G>C (NM_001395678.1, NM_001395680.1, NM_001395684.1 and 12 more transcripts); c.3645+1G>C (NM_001395690.1, NM_001395687.1, NM_001395689.1 and 2 more transcripts); c.3768+1G>C (NM_001395686.1); c.3483+1G>C (NM_001395691.1); c.2367+1G>C (NM_001395697.1).
Identifiers: ClinVar variation 1509874 (VCV001509874.9), dbSNP rs875989783, ClinGen allele CA390872868.
Genomic context (GRCh38, chr14:95,103,345, plus strand): 5'-GCAAACCACTTTCAGGCACACTGAATAATTAACTGCTCAAAATAAAAAAATCATCTCTTA[C>G]CTTTTTGCTTCTCATATATGAAAGGCGGCCCTCATGCGCATCAGGGTAAGTGCAAAATAG-3'